The following is an entry in ClinVar:

ClinVar aggregate classification (germline): Uncertain significance (1 of 4 stars; one submission).

Submission:

GeneDx
Classification: Uncertain significance. Last evaluated: 2024-11-20. Review status: criteria provided, single submitter. Criteria: GeneDx Variant Classification Process June 2021. Collection method: clinical testing. Allele origin: germline. Affected: yes.
Comment: Nonsense variant predicted to result in protein truncation or nonsense mediated decay in a gene for which loss of function is a known mechanism of disease; Has not been previously published as pathogenic or benign to our knowledge

NM_014633.5(CTR9):c.301_305del (p.Glu100_Lys101insTer)

Gene: CTR9 (CTR9 homolog, Paf1/RNA polymerase II complex component; plus strand). Cytogenetic location: 11p15.4.
Variant type: Microsatellite.
Coding change: c.301_305del on transcript NM_014633.5 (MANE Select); coding-DNA positions 301 to 305, 5 bases deleted (AAGAA; older notation c.301_305delAAGAA).
Protein change: p.Glu100_Lys101insTer.
Molecular consequence: nonsense.
Genome position (GRCh38, 1-based): chr11:10,755,114-10,755,118, AAGAA deleted; deleting any 5 consecutive bases within chr11:10,755,108-10,755,118 gives the same sequence; the c. name uses the placement nearest the transcript's 3' end. VCF-style (leftmost placement, unchanged base first): chr11-10755107-GAAAGA-G. GRCh37 (hg19) VCF-style: chr11-10776654-GAAAGA-G.
Other names: c.301_305del, p.Glu100_Lys101insTer (NM_001346279.2).
Identifiers: ClinVar variation 3900342 (VCV003900342.1).
Genomic context (GRCh38, chr11:10,755,107, plus strand): 5'-TGAAAAAGACCAGATGACTTGCTTGGATACATTGGCAGCGTATTATGTACAACAGGCTCG[GAAAGA>G]AAAGAATAAGGACAATAAAAAGGATCTTATTACACAGGCCACCTTGTTGTATACAATGGC-3'